The following is an entry in ClinVar:

ClinVar aggregate classification (germline): Likely pathogenic (1 of 4 stars; one submission).

Conditions:
PCNT-related disorder. Also called: PCNT-related condition.

Submission:

PreventionGenetics, part of Exact Sciences
Classification: Likely pathogenic for PCNT-related condition. Last evaluated: 2026-07-07. Review status: criteria provided, single submitter. Criteria: ACMG Guidelines, 2015. Collection method: clinical testing. Allele origin: germline.
Comment: The PCNT c.3154G>T variant is predicted to result in premature protein termination (p.Gly1052*). To our knowledge, this variant has not been reported in the literature or in a large population database (gnomAD), indicating this variant is rare. Nonsense variants in PCNT are expected to be pathogenic. This variant is interpreted as likely pathogenic.

NM_006031.6(PCNT):c.3154G>T (p.Gly1052Ter)

Gene: PCNT (pericentrin; plus strand). Cytogenetic location: 21q22.3.
Variant type: single nucleotide variant.
Coding change: c.3154G>T on transcript NM_006031.6 (MANE Select); coding-DNA position 3154, G replaced by T.
Protein change: p.Gly1052Ter; replaces glycine 1052 with a stop codon.
Molecular consequence: nonsense.
Genome position (GRCh38, 1-based): chr21:46,367,128, G>T. VCF-style: chr21-46367128-G-T. GRCh37 (hg19) VCF-style: chr21-47787043-G-T.
Other names: c.2800G>T, p.Gly934Ter (NM_001315529.2); short protein forms G934*, G1052*.
Identifiers: ClinVar variation 4994534 (VCV004994534.1).